The following is an entry in ClinVar:

ClinVar aggregate classification (germline): Conflicting classifications of pathogenicity. Review status: criteria provided, conflicting classifications (1 of 4 stars). 2 submissions from 2 submitters: Uncertain significance (1); Likely benign (1). Last evaluated 2024-11-21.

Conditions:
RS1-related disorder. Also called: RS1-related condition.
Inborn genetic diseases. Identifiers: MedGen C0950123, MeSH D030342.

gnomAD v4.1: 2 of 1,211,008 alleles (0.00017%); highest among the groups gnomAD compares: African/African-American, 0.0017%; no homozygotes.

Submissions (2):

PreventionGenetics, part of Exact Sciences
Classification: Uncertain significance for RS1-related condition. Last evaluated: 2024-11-21. Review status: criteria provided, single submitter. Criteria: ACMG Guidelines, 2015. Collection method: clinical testing. Allele origin: germline.
Comment: The RS1 c.140A>G variant is predicted to result in the amino acid substitution p.Asn47Ser. To our knowledge, this variant has not been reported in the literature. This variant is present in 0.0076% of alleles in individuals of African descent in gnomAD. At this time, the clinical significance of this variant is uncertain due to the absence of conclusive functional and genetic evidence.

Ambry Genetics
Classification: Likely benign for Inborn genetic diseases. Last evaluated: 2024-06-17. Review status: criteria provided, single submitter. Criteria: Ambry Variant Classification Scheme 2023. Collection method: clinical testing. Allele origin: germline.

NM_000330.4(RS1):c.140A>G (p.Asn47Ser)

Gene: RS1 (retinoschisin 1; minus strand). Cytogenetic location: Xp22.13.
Variant type: single nucleotide variant.
Coding change: c.140A>G on transcript NM_000330.4 (MANE Select); coding-DNA position 140, A replaced by G.
Protein change: p.Asn47Ser; replaces asparagine 47 with serine.
Molecular consequence: missense variant.
Genome position (GRCh38, 1-based): chrX:18,656,697, T>C on the plus strand (A>G on the coding strand, the complement: RS1 is on the minus strand). VCF-style: chrX-18656697-T-C. GRCh37 (hg19) VCF-style: chrX-18674817-T-C.
Other names: short protein forms N47S.
Identifiers: ClinVar variation 3315494 (VCV003315494.2).